The following is an entry in ClinVar:

ClinVar aggregate classification (germline): Uncertain significance (1 of 4 stars; one submission).

Conditions:
Cardiovascular phenotype. Identifiers: MedGen CN230736.

Allele frequency attached by ClinVar (database versions not stated): gnomAD 0.00001; ExAC 0.00002; gnomAD exomes 0.00002; TOPMed 0.00002.
gnomAD v4.1: 25 of 1,608,798 alleles (0.0016%); highest among the groups gnomAD compares: Middle Eastern, 0.033%; 1 homozygote.

Submission:

Ambry Genetics
Classification: Uncertain significance for Cardiovascular phenotype. Last evaluated: 2025-06-09. Review status: criteria provided, single submitter. Criteria: Ambry Variant Classification Scheme 2023. Collection method: clinical testing. Allele origin: germline.
Comment: The p.E1109G variant (also known as c.3326A>G), located in coding exon 7 of the TNXB gene, results from an A to G substitution at nucleotide position 3326. The glutamic acid at codon 1109 is replaced by glycine, an amino acid with similar properties. This amino acid position is conserved. In addition, this alteration is predicted to be tolerated by in silico analysis. Since supporting evidence is limited at this time, the clinical significance of this alteration remains unclear.

NM_001365276.2(TNXB):c.3326A>G (p.Glu1109Gly)

Gene: TNXB (tenascin XB; minus strand). Cytogenetic location: 6p21.33.
Variant type: single nucleotide variant.
Coding change: c.3326A>G on transcript NM_001365276.2 (MANE Select); coding-DNA position 3326, A replaced by G.
Protein change: p.Glu1109Gly; replaces glutamic acid 1109 with glycine.
Molecular consequence: missense variant.
Genome position (GRCh38, 1-based): chr6:32,084,532, T>C on the plus strand (A>G on the coding strand, the complement: TNXB is on the minus strand). VCF-style: chr6-32084532-T-C. GRCh37 (hg19) VCF-style: chr6-32052309-T-C.
Other names: c.3326A>G, p.Glu1109Gly (NM_019105.8); short protein forms E1109G.
Identifiers: ClinVar variation 2446960 (VCV002446960.3), dbSNP rs757535646, ClinGen allele CA3735203.